The following is an entry in ClinVar:

NM_015662.3(IFT172):c.2846C>T (p.Thr949Ile)

Gene: IFT172 (intraflagellar transport 172; minus strand). Cytogenetic location: 2p23.3.
Variant type: single nucleotide variant.
Coding change: c.2846C>T on transcript NM_015662.3 (MANE Select); coding-DNA position 2846, C replaced by T.
Protein change: p.Thr949Ile; replaces threonine 949 with isoleucine.
Molecular consequence: missense variant.
Genome position (GRCh38, 1-based): chr2:27,458,810, G>A on the plus strand (C>T on the coding strand, the complement: IFT172 is on the minus strand). VCF-style: chr2-27458810-G-A. GRCh37 (hg19) VCF-style: chr2-27681677-G-A.
Other names: c.2780C>T, p.Thr927Ile (NM_001410739.1); short protein forms T927I, T949I.
Identifiers: ClinVar variation 3348727 (VCV003348727.1).

ClinVar aggregate classification (germline): Uncertain significance (0 of 4 stars; one submission).

Conditions:
IFT172-related disorder. Also called: IFT172-related disorders; IFT172-related condition.

gnomAD v4.1: 2 of 1,614,168 alleles (0.00012%); highest among the groups gnomAD compares: Non-Finnish European, 0.00017%; no homozygotes.

Submission:

PreventionGenetics, part of Exact Sciences
Classification: Uncertain significance for IFT172-related condition. Last evaluated: 2024-03-13. Review status: no assertion criteria provided. Collection method: clinical testing. Allele origin: germline.
Comment: The IFT172 c.2846C>T variant is predicted to result in the amino acid substitution p.Thr949Ile. To our knowledge, this variant has not been reported in the literature or in a large population database, indicating this variant is rare. At this time, the clinical significance of this variant is uncertain due to the absence of conclusive functional and genetic evidence.